The following is an entry in ClinVar:

ClinVar aggregate classification (germline): Uncertain significance (1 of 4 stars; one submission).

Allele frequency attached by ClinVar (database versions not stated): TOPMed 0.00001; gnomAD exomes 0.00003 and 0.00004; ExAC 0.00004; ESP Exome Variant Server 0.00008.
gnomAD v4.1: 68 of 1,610,116 alleles (0.0042%); highest among the groups gnomAD compares: Middle Eastern, 0.016%; no homozygotes.

Submission:

Labcorp Genetics (formerly Invitae), Labcorp
Classification: Uncertain significance. Last evaluated: 2024-10-28. Review status: criteria provided, single submitter. Criteria: Invitae Variant Classification Sherloc (09022015). Collection method: clinical testing. Allele origin: germline.
Comment: This sequence change replaces arginine, which is basic and polar, with glutamine, which is neutral and polar, at codon 348 of the TRAF3IP1 protein (p.Arg348Gln). This variant is present in population databases (rs369516358, gnomAD 0.009%). This variant has not been reported in the literature in individuals affected with TRAF3IP1-related conditions. ClinVar contains an entry for this variant (Variation ID: 1063174). Invitae Evidence Modeling of protein sequence and biophysical properties (such as structural, functional, and spatial information, amino acid conservation, physicochemical variation, residue mobility, and thermodynamic stability) indicates that this missense variant is not expected to disrupt TRAF3IP1 protein function with a negative predictive value of 80%. In summary, the available evidence is currently insufficient to determine the role of this variant in disease. Therefore, it has been classified as a Variant of Uncertain Significance.

NM_015650.4(TRAF3IP1):c.1043G>A (p.Arg348Gln)

Gene: TRAF3IP1 (TRAF3 interacting protein 1; plus strand). Cytogenetic location: 2q37.3.
Variant type: single nucleotide variant.
Coding change: c.1043G>A on transcript NM_015650.4 (MANE Select); coding-DNA position 1043, G replaced by A.
Protein change: p.Arg348Gln; replaces arginine 348 with glutamine.
Molecular consequence: missense variant.
Genome position (GRCh38, 1-based): chr2:238,334,015, G>A. VCF-style: chr2-238334015-G-A. GRCh37 (hg19) VCF-style: chr2-239242656-G-A.
Other names: c.1043G>A, p.Arg348Gln (NM_001139490.1); short protein forms R348Q.
Identifiers: ClinVar variation 1063174 (VCV001063174.9), dbSNP rs369516358, ClinGen allele CA2198237.